The following is an entry in ClinVar:

NM_001650.7(AQP4):c.383T>C (p.Ile128Thr)

Gene: AQP4 (aquaporin 4; minus strand). Cytogenetic location: 18q11.2.
Variant type: single nucleotide variant.
Coding change: c.383T>C on transcript NM_001650.7 (MANE Select); coding-DNA position 383, T replaced by C.
Protein change: p.Ile128Thr; replaces isoleucine 128 with threonine.
Molecular consequence: missense variant.
Genome position (GRCh38, 1-based): chr18:26,862,246, A>G on the plus strand (T>C on the coding strand, the complement: AQP4 is on the minus strand). VCF-style: chr18-26862246-A-G. GRCh37 (hg19) VCF-style: chr18-24442210-A-G.
Other names: c.383T>C, p.Ile128Thr (NM_001317384.3, NM_001317387.3); c.317T>C, p.Ile106Thr (NM_001364286.1, NM_001364287.1, NM_001364289.2 and 1 more transcripts); short protein forms I106T, I128T.
Identifiers: ClinVar variation 3055334 (VCV003055334.2), dbSNP rs61731042, ClinGen allele CA8922644.

ClinVar aggregate classification (germline): Likely benign (0 of 4 stars; one submission).

Conditions:
AQP4-related disorder. Also called: AQP4-related condition.

Allele frequency attached by ClinVar (database versions not stated): gnomAD exomes 0.00060; ExAC 0.00156; ESP Exome Variant Server 0.00300; gnomAD 0.00300; 1000 Genomes Project 30x 0.00312; 1000 Genomes Project 0.00319; TOPMed 0.00352.

Submission:

PreventionGenetics, part of Exact Sciences
Classification: Likely benign for AQP4-related condition. Last evaluated: 2020-04-28. Review status: no assertion criteria provided. Collection method: clinical testing. Allele origin: germline.
Comment: This variant is classified as likely benign based on ACMG/AMP sequence variant interpretation guidelines (Richards et al. 2015 PMID: 25741868, with internal and published modifications).